The following is an entry in ClinVar:

NM_001205293.3(CACNA1E):c.2070del (p.Asn691fs)

Gene: CACNA1E (calcium voltage-gated channel subunit alpha1 E; plus strand). Cytogenetic location: 1q25.3.
Variant type: Deletion.
Coding change: c.2070del on transcript NM_001205293.3 (MANE Select); coding-DNA position 2070, one base deleted (C; older notation c.2070delC).
Protein change: p.Asn691fs; shifts the reading frame from asparagine 691.
Molecular consequence: frameshift variant.
Genome position (GRCh38, 1-based): chr1:181,721,871, C deleted. VCF-style (leftmost placement, unchanged base first): chr1-181721870-GC-G. GRCh37 (hg19) VCF-style: chr1-181691006-GC-G.
Other names: c.2070del, p.Asn691fs (NM_000721.4, NM_001205294.2); short protein forms N691fs.
Identifiers: ClinVar variation 4540256 (VCV004540256.1).

ClinVar aggregate classification (germline): Uncertain significance (1 of 4 stars; one submission).

Submission:

GeneDx
Classification: Uncertain significance. Last evaluated: 2025-06-25. Review status: criteria provided, single submitter. Criteria: GeneDx Variant Classification Process June 2021. Collection method: clinical testing. Allele origin: germline. Affected: yes.
Comment: Not observed at significant frequency in large population cohorts (gnomAD); Frameshift variant predicted to result in protein truncation or nonsense mediated decay in a gene or region of a gene for which loss of function is not a well-established mechanism of disease; Has not been previously published as pathogenic or benign to our knowledge